The following is an entry in ClinVar:

ClinVar aggregate classification (germline): Likely benign. Review status: criteria provided, multiple submitters, no conflicts (2 of 4 stars). 3 submissions from 3 submitters: Likely benign (2). 1 of the submissions does not count toward it. Last evaluated 2017-06-12.

Conditions:
OMG-related disorder. Also called: OMG-related condition.

Allele frequency attached by ClinVar (database versions not stated): 1000 Genomes Project 30x 0.00890; 1000 Genomes Project 0.00899; ESP Exome Variant Server 0.00984; gnomAD exomes 0.00069 and 0.00210; ExAC 0.00272; gnomAD 0.00794 and 0.00849; TOPMed 0.00875.
gnomAD v4.1: 2,263 of 1,614,134 alleles (0.14%); highest among the groups gnomAD compares: African/African-American, 2.7%; 30 homozygotes.

Submissions (3):

Center for Pediatric Genomic Medicine, Children's Mercy Hospital and Clinics
Classification: Likely benign. Last evaluated: 2017-06-12. Review status: criteria provided, single submitter. Criteria: ACMG Guidelines, 2015. Collection method: clinical testing. Allele origin: germline.

Breakthrough Genomics
Classification: Likely benign. Review status: criteria provided, single submitter. Criteria: ACMG Guidelines, 2015. Collection method: not provided. Allele origin: germline. Inheritance: Unknown mechanism. Affected: yes.

PreventionGenetics, part of Exact Sciences
Classification: Benign for OMG-related condition. Last evaluated: 2019-05-24. Review status: no assertion criteria provided. Collection method: clinical testing. Allele origin: germline. Not counted in ClinVar's aggregate classification.
Comment: This variant is classified as benign based on ACMG/AMP sequence variant interpretation guidelines (Richards et al. 2015 PMID: 25741868, with internal and published modifications).

NM_002544.5(OMG):c.1304T>C (p.Val435Ala)

Genes: NF1 (neurofibromin 1; plus strand), OMG (oligodendrocyte myelin glycoprotein; minus strand). Cytogenetic location: 17q11.2.
Variant type: single nucleotide variant.
Coding change: c.1304T>C on transcript NM_002544.5 (MANE Select); coding-DNA position 1304, T replaced by C.
Protein change: p.Val435Ala; replaces valine 435 with alanine.
Molecular consequence: missense variant. On other transcripts: intron variant (2).
Genome position (GRCh38, 1-based): chr17:31,295,028, A>G on the plus strand (T>C on the coding strand, the complement: OMG is on the minus strand). VCF-style: chr17-31295028-A-G. GRCh37 (hg19) VCF-style: chr17-29622046-A-G.
Other names: c.4835+29689A>G (NM_001042492.3); c.4772+29689A>G (NM_000267.4); short protein forms V435A.
Identifiers: ClinVar variation 445498 (VCV000445498.5), dbSNP rs16972169, ClinGen allele CA8486488.
Genomic context (GRCh38, chr17:31,295,028, plus strand): 5'-CAGGGAGGAGTGCTTTCATTAGTTTCAGAAAATGCAGACCCTCAGACAGCCAGCATGACC[A>G]CAACATTGAGCAATAAGAGAAATGAAGCATTTACTTTCCAAGCATTTGCCACAGAAGGTA-3'
Protein context (NP_002535.3, residues 425-440): NASFLLLLNV[Val435Ala]VMLAV